The following is an entry in ClinVar:

ClinVar aggregate classification (germline): Benign. Review status: criteria provided, multiple submitters, no conflicts (2 of 4 stars). 3 submissions from 3 submitters: Benign (2). 1 of the submissions does not count toward it. Last evaluated 2026-01-29.

Conditions:
DNAH9-related disorder. Also called: DNAH9-related condition.

Allele frequency attached by ClinVar (database versions not stated): gnomAD exomes 0.00378; ExAC 0.00428; 1000 Genomes Project 30x 0.00984; 1000 Genomes Project 0.01078; gnomAD 0.01346 and 0.01457; ESP Exome Variant Server 0.01630.
gnomAD v4.1: 4,301 of 1,614,006 alleles (0.27%); highest among the groups gnomAD compares: African/African-American, 4.6%; 92 homozygotes.

Submissions (3):

Labcorp Genetics (formerly Invitae), Labcorp
Classification: Benign. Last evaluated: 2026-01-29. Review status: criteria provided, single submitter. Criteria: Invitae Variant Classification Sherloc (09022015). Collection method: clinical testing. Allele origin: germline.

Breakthrough Genomics
Classification: Benign. Review status: criteria provided, single submitter. Criteria: ACMG Guidelines, 2015. Collection method: not provided. Allele origin: germline. Inheritance: Autosomal recessive inheritance. Affected: yes.

PreventionGenetics, part of Exact Sciences
Classification: Benign for DNAH9-related condition. Last evaluated: 2019-08-28. Review status: no assertion criteria provided. Collection method: clinical testing. Allele origin: germline. Not counted in ClinVar's aggregate classification.
Comment: This variant is classified as benign based on ACMG/AMP sequence variant interpretation guidelines (Richards et al. 2015 PMID: 25741868, with internal and published modifications).

NM_001372.4(DNAH9):c.1764C>T (p.His588=)

Gene: DNAH9 (dynein axonemal heavy chain 9; plus strand). Cytogenetic location: 17p12.
Variant type: single nucleotide variant.
Coding change: c.1764C>T on transcript NM_001372.4 (MANE Select); coding-DNA position 1764, C replaced by T.
Protein change: p.His588=; no amino-acid change (histidine 588 retained).
Molecular consequence: synonymous variant.
Genome position (GRCh38, 1-based): chr17:11,636,762, C>T. VCF-style: chr17-11636762-C-T. GRCh37 (hg19) VCF-style: chr17-11540079-C-T.
Other names: c.1764C>T (NM_001372.3).
Identifiers: ClinVar variation 1535134 (VCV001535134.11), dbSNP rs8065057, ClinGen allele CA8394955.